The following is an entry in ClinVar:

NM_015046.7(SETX):c.7055A>G (p.Lys2352Arg)

Gene: SETX (senataxin; minus strand). Cytogenetic location: 9q34.13.
Variant type: single nucleotide variant.
Coding change: c.7055A>G on transcript NM_015046.7 (MANE Select); coding-DNA position 7055, A replaced by G.
Protein change: p.Lys2352Arg; replaces lysine 2352 with arginine.
Molecular consequence: missense variant.
Genome position (GRCh38, 1-based): chr9:132,275,301, T>C on the plus strand (A>G on the coding strand, the complement: SETX is on the minus strand). VCF-style: chr9-132275301-T-C. GRCh37 (hg19) VCF-style: chr9-135150688-T-C.
Other names: c.7055A>G, p.Lys2352Arg (NM_001351527.2, NM_001351528.2); short protein forms K2352R.
Identifiers: ClinVar variation 3389944 (VCV003389944.14).

ClinVar aggregate classification (germline): Uncertain significance (1 of 4 stars; one submission).

Submission:

CeGaT Center for Human Genetics Tuebingen
Classification: Uncertain significance. Last evaluated: 2024-10-01. Review status: criteria provided, single submitter. Criteria: CeGaT Center For Human Genetics Tuebingen Variant Classification Criteria Version 2. Collection method: clinical testing. Allele origin: germline. Affected: yes. Observed: 1 variant allele.
Comment: SETX: PM2